The following is an entry in ClinVar:

NM_005529.7(HSPG2):c.8246T>C (p.Val2749Ala)

Gene: HSPG2 (heparan sulfate proteoglycan 2; minus strand). Cytogenetic location: 1p36.12.
Variant type: single nucleotide variant.
Coding change: c.8246T>C on transcript NM_005529.7 (MANE Select); coding-DNA position 8246, T replaced by C.
Protein change: p.Val2749Ala; replaces valine 2749 with alanine.
Molecular consequence: missense variant.
Genome position (GRCh38, 1-based): chr1:21,846,518, A>G on the plus strand (T>C on the coding strand, the complement: HSPG2 is on the minus strand). VCF-style: chr1-21846518-A-G. GRCh37 (hg19) VCF-style: chr1-22173011-A-G.
Other names: c.8249T>C, p.Val2750Ala (NM_001291860.2); short protein forms V2749A, V2750A.
Identifiers: ClinVar variation 2282458 (VCV002282458.4), dbSNP rs752237103, ClinGen allele CA670858.

ClinVar aggregate classification (germline): Uncertain significance. Review status: criteria provided, multiple submitters, no conflicts (2 of 4 stars). 2 submissions from 2 submitters: Uncertain significance (2). Last evaluated 2023-10-03.

Conditions:
Inborn genetic diseases. Identifiers: MedGen C0950123, MeSH D030342.

Allele frequency attached by ClinVar (database versions not stated): ExAC 0.00001; gnomAD 0.00001; gnomAD exomes 0.00001; TOPMed 0.00002.
gnomAD v4.1: 12 of 1,613,626 alleles (0.00074%); highest among the groups gnomAD compares: Non-Finnish European, 0.00085%; no homozygotes.

Submissions (2):

Labcorp Genetics (formerly Invitae), Labcorp
Classification: Uncertain significance. Last evaluated: 2023-10-03. Review status: criteria provided, single submitter. Criteria: Invitae Variant Classification Sherloc (09022015). Collection method: clinical testing. Allele origin: germline.
Comment: This sequence change replaces valine, which is neutral and non-polar, with alanine, which is neutral and non-polar, at codon 2749 of the HSPG2 protein (p.Val2749Ala). This variant is present in population databases (rs752237103, gnomAD 0.002%). This variant has not been reported in the literature in individuals affected with HSPG2-related conditions. ClinVar contains an entry for this variant (Variation ID: 2282458). An algorithm developed to predict the effect of missense changes on protein structure and function (PolyPhen-2) suggests that this variant is likely to be disruptive. In summary, the available evidence is currently insufficient to determine the role of this variant in disease. Therefore, it has been classified as a Variant of Uncertain Significance.

Ambry Genetics
Classification: Uncertain significance for Inborn genetic diseases. Last evaluated: 2022-04-08. Review status: criteria provided, single submitter. Criteria: Ambry Variant Classification Scheme 2023. Collection method: clinical testing. Allele origin: germline.